The following is an entry in ClinVar:

ClinVar aggregate classification (germline): Pathogenic (1 of 4 stars; one submission).

Conditions:
Cohen syndrome (COH1). Also called: PEPPER SYNDROME; Cutis verticis gyrata, retinitis pigmentosa, and sensorineural deafness. Identifiers: Orphanet 193, MedGen C0265223, MONDO:0008999, OMIM 216550.

Submission:

Labcorp Genetics (formerly Invitae), Labcorp
Classification: Pathogenic for Cohen syndrome. Last evaluated: 2023-12-06. Review status: criteria provided, single submitter. Criteria: Invitae Variant Classification Sherloc (09022015). Collection method: clinical testing. Allele origin: germline.
Comment: This sequence change creates a premature translational stop signal (p.Val2321Serfs*16) in the VPS13B gene. It is expected to result in an absent or disrupted protein product. Loss-of-function variants in VPS13B are known to be pathogenic (PMID: 15141358, 16648375, 20461111). This variant is not present in population databases (gnomAD no frequency). This variant has not been reported in the literature in individuals affected with VPS13B-related conditions. For these reasons, this variant has been classified as Pathogenic.

Literature cited by the submitters: PubMed 15141358; PubMed 16648375; PubMed 20461111.

NM_152564.5(VPS13B):c.6882del (p.Val2296fs)

Gene: VPS13B (vacuolar protein sorting 13 homolog B; plus strand). Cytogenetic location: 8q22.2.
Variant type: Deletion.
Coding change: c.6882del on transcript NM_152564.5 (MANE Select); coding-DNA position 6882, one base deleted (T; older notation c.6882delT).
Protein change: p.Val2296fs; shifts the reading frame from valine 2296.
Molecular consequence: frameshift variant.
Genome position (GRCh38, 1-based): chr8:99,720,879, T deleted. VCF-style (leftmost placement, unchanged base first): chr8-99720878-CT-C. GRCh37 (hg19) VCF-style: chr8-100733106-CT-C.
Other names: c.6957del, p.Val2321fs (NM_017890.5); short protein forms V2321fs, V2296fs.
Identifiers: ClinVar variation 2876694 (VCV002876694.3), dbSNP rs2491580027, ClinGen allele CA2739268934.